The following is an entry in ClinVar:

ClinVar aggregate classification (germline): Uncertain significance (1 of 4 stars; one submission).

Conditions:
Cardiovascular phenotype. Identifiers: MedGen CN230736.

Submission:

Ambry Genetics
Classification: Uncertain significance for Cardiovascular phenotype. Last evaluated: 2024-10-28. Review status: criteria provided, single submitter. Criteria: Ambry Variant Classification Scheme 2023. Collection method: clinical testing. Allele origin: germline.
Comment: The p.Y554F variant (also known as c.1661A>T), located in coding exon 13 of the MYH6 gene, results from an A to T substitution at nucleotide position 1661. The tyrosine at codon 554 is replaced by phenylalanine, an amino acid with highly similar properties. This amino acid position is conserved. In addition, this alteration is predicted to be tolerated by in silico analysis. Based on the available evidence, the clinical significance of this variant remains unclear.

NM_002471.4(MYH6):c.1661A>T (p.Tyr554Phe)

Gene: MYH6 (myosin heavy chain 6; minus strand). Cytogenetic location: 14q11.2.
Variant type: single nucleotide variant.
Coding change: c.1661A>T on transcript NM_002471.4 (MANE Select); coding-DNA position 1661, A replaced by T.
Protein change: p.Tyr554Phe; replaces tyrosine 554 with phenylalanine.
Molecular consequence: missense variant.
Genome position (GRCh38, 1-based): chr14:23,398,958, T>A on the plus strand (A>T on the coding strand, the complement: MYH6 is on the minus strand). VCF-style: chr14-23398958-T-A. GRCh37 (hg19) VCF-style: chr14-23868167-T-A.
Other names: short protein forms Y554F.
Identifiers: ClinVar variation 3400887 (VCV003400887.1).
Genomic context (GRCh38, chr14:23,398,958, plus strand): 5'-TGCTTCCCCTTGATGTTGCGTGGCTTCTGGAAATTGTTGGACTTGCCCAGGTGGTTGTCG[T>A]ACAGCTTGGCCTTGAAGGTCATGTCAGTGGCCTTGGGGAACATGCACTCCTCCTCCAGGA-3'
Protein context (NP_002462.2, residues 544-564): ATDMTFKAKL[Tyr554Phe]DNHLGKSNNF